The following is an entry in ClinVar:

NM_080425.4(GNAS):c.1405G>A (p.Ala469Thr)

Gene: GNAS (GNAS complex locus; plus strand). Cytogenetic location: 20q13.32.
Variant type: single nucleotide variant.
Coding change: c.1405G>A on transcript NM_080425.4 (MANE Plus Clinical); coding-DNA position 1405, G replaced by A.
Protein change: p.Ala469Thr; replaces alanine 469 with threonine.
Molecular consequence: missense variant. On other transcripts: synonymous variant (2), intron variant (3).
Genome position (GRCh38, 1-based): chr20:58,854,670, G>A. VCF-style: chr20-58854670-G-A. GRCh37 (hg19) VCF-style: chr20-57429725-G-A.
Other names: c.1218G>A, p.Gly406= (NM_001077490.3, NM_001309883.1); c.1405G>A, p.Ala469Thr (NM_001410913.1); c.*42+13784G>A (NM_016592.5); c.43+13784G>A (NM_001410912.1); c.-39+12795G>A (NM_001309861.2); short protein forms A469T.
Identifiers: ClinVar variation 3353134 (VCV003353134.1).

ClinVar aggregate classification (germline): Uncertain significance (0 of 4 stars; one submission).

Conditions:
GNAS-related disorder. Identifiers: MedGen CN380105.

gnomAD v4.1: 27 of 1,528,482 alleles (0.0018%); highest among the groups gnomAD compares: Non-Finnish European, 0.0023%; no homozygotes.

Submission:

PreventionGenetics, part of Exact Sciences
Classification: Uncertain significance for GNAS-related condition. Last evaluated: 2024-04-30. Review status: no assertion criteria provided. Collection method: clinical testing. Allele origin: germline.
Comment: The GNAS c.1405G>A variant is predicted to result in the amino acid substitution p.Ala469Thr. In the more commonly reported transcript (NM_000516.5) this variant is pre-coding (c.-37057G>A). To our knowledge, this variant has not been reported in the literature or in a large population database, indicating this variant is rare. At this time, the clinical significance of this variant is uncertain due to the absence of conclusive functional and genetic evidence.